The following is an entry in ClinVar:

NM_001080517.3(SETD5):c.3361C>T (p.Arg1121Ter)

Gene: SETD5 (SET domain containing 5; plus strand). Cytogenetic location: 3p25.3.
Variant type: single nucleotide variant.
Coding change: c.3361C>T on transcript NM_001080517.3 (MANE Select); coding-DNA position 3361, C replaced by T.
Protein change: p.Arg1121Ter; replaces arginine 1121 with a stop codon.
Molecular consequence: nonsense.
Genome position (GRCh38, 1-based): chr3:9,473,401, C>T. VCF-style: chr3-9473401-C-T. GRCh37 (hg19) VCF-style: chr3-9515085-C-T.
Other names: c.3067C>T, p.Arg1023Ter (NM_001292043.2, NM_001349451.2); short protein forms R1023*, R1121*.
Identifiers: ClinVar variation 2002358 (VCV002002358.9), dbSNP rs2473895350, ClinGen allele CA351686004.

ClinVar aggregate classification (germline): Pathogenic. Review status: criteria provided, multiple submitters, no conflicts (2 of 4 stars). 2 submissions from 2 submitters: Pathogenic (2). Last evaluated 2024-11-12.

Conditions:
Intellectual disability-facial dysmorphism syndrome due to SETD5 haploinsufficiency (MRD23). Also called: Intellectual developmental disorder, autosomal dominant 23. Identifiers: Orphanet 404440, MedGen C3810406, MONDO:0014336, OMIM 615761.

Submissions (2):

Institute of Human Genetics Munich, TUM University Hospital
Classification: Pathogenic for Intellectual disability-facial dysmorphism syndrome due to SETD5 haploinsufficiency. Last evaluated: 2024-11-12. Review status: criteria provided, single submitter. Criteria: Classification criteria August 2017. Collection method: clinical testing. Allele origin: germline. Inheritance: Autosomal dominant inheritance. Affected: yes. Observed: 1 variant allele.

Labcorp Genetics (formerly Invitae), Labcorp
Classification: Pathogenic. Last evaluated: 2022-08-01. Review status: criteria provided, single submitter. Criteria: Invitae Variant Classification Sherloc (09022015). Collection method: clinical testing. Allele origin: germline.
Comment: For these reasons, this variant has been classified as Pathogenic. This variant has not been reported in the literature in individuals affected with SETD5-related conditions. This variant is not present in population databases (gnomAD no frequency). This sequence change creates a premature translational stop signal (p.Arg1121*) in the SETD5 gene. It is expected to result in an absent or disrupted protein product. Loss-of-function variants in SETD5 are known to be pathogenic (PMID: 24680889).

Literature cited by the submitters: PubMed 24680889 (cited by Labcorp Genetics (formerly Invitae), Labcorp).